The following is an entry in ClinVar:

ClinVar aggregate classification (germline): Uncertain significance. Review status: criteria provided, multiple submitters, no conflicts (2 of 4 stars). 3 submissions from 3 submitters: Uncertain significance (3). Last evaluated 2026-02-10.

Conditions:
SEMA3E-related disorder. Also called: SEMA3E-related condition.
CHARGE syndrome (CHARGE). Also called: Hittner Hirsch Kreh syndrome; CHARGE ASSOCIATION--COLOBOMA, HEART ANOMALY, CHOANAL ATRESIA, RETARDATION, GENITAL AND EAR ANOMALIES; Coloboma, heart anomaly, choanal atresia, retardation, genital and ear anomalies; CHARGE association; Hall-Hittner syndrome. Identifiers: Orphanet 138, MedGen C0265354, MONDO:0008965.
Hypogonadotropic hypogonadism 7 with or without anosmia (HH7). Also called: HYPOGONADOTROPIC HYPOGONADISM 7 WITHOUT ANOSMIA; GNRHR-Related GnRH Deficiency. Identifiers: Orphanet 432, MedGen C0342384, MONDO:0007794, OMIM 146110.

gnomAD v4.1: 7 of 1,614,040 alleles (0.00043%); highest among the groups gnomAD compares: Non-Finnish European, 0.00059%; no homozygotes.

Submissions (3):

PreventionGenetics, part of Exact Sciences
Classification: Uncertain significance for SEMA3E-related condition. Last evaluated: 2026-02-10. Review status: criteria provided, single submitter. Criteria: ACMG Guidelines, 2015. Collection method: clinical testing. Allele origin: germline.
Comment: The SEMA3E c.2312A>G variant is predicted to result in the amino acid substitution p.His771Arg. To our knowledge, this variant has not been reported in the literature. This variant is reported in 0.0026% of alleles in individuals of European (Non-Finnish) descent in gnomAD. At this time, the clinical significance of this variant is uncertain due to the absence of conclusive functional and genetic evidence.

Labcorp Genetics (formerly Invitae), Labcorp
Classification: Uncertain significance for CHARGE syndrome. Last evaluated: 2024-05-03. Review status: criteria provided, single submitter. Criteria: Invitae Variant Classification Sherloc (09022015). Collection method: clinical testing. Allele origin: germline.
Comment: This sequence change replaces histidine, which is basic and polar, with arginine, which is basic and polar, at codon 771 of the SEMA3E protein (p.His771Arg). This variant is present in population databases (rs549940803, gnomAD 0.003%). This variant has not been reported in the literature in individuals affected with SEMA3E-related conditions. An algorithm developed to predict the effect of missense changes on protein structure and function (PolyPhen-2) suggests that this variant is likely to be disruptive. In summary, the available evidence is currently insufficient to determine the role of this variant in disease. Therefore, it has been classified as a Variant of Uncertain Significance.

Department of Pathology and Laboratory Medicine, Sinai Health System
Classification: Uncertain significance for Hypogonadotropic hypogonadism 7 with or without anosmia. Last evaluated: 2022-01-26. Review status: criteria provided, single submitter. Criteria: ACMG Guidelines, 2015. Collection method: research. Allele origin: germline.

NM_012431.3(SEMA3E):c.2312A>G (p.His771Arg)

Gene: SEMA3E (semaphorin 3E; minus strand). Cytogenetic location: 7q21.11.
Variant type: single nucleotide variant.
Coding change: c.2312A>G on transcript NM_012431.3 (MANE Select); coding-DNA position 2312, A replaced by G.
Protein change: p.His771Arg; replaces histidine 771 with arginine.
Molecular consequence: missense variant.
Genome position (GRCh38, 1-based): chr7:83,367,602, T>C on the plus strand (A>G on the coding strand, the complement: SEMA3E is on the minus strand). VCF-style: chr7-83367602-T-C. GRCh37 (hg19) VCF-style: chr7-82996918-T-C.
Other names: c.2132A>G, p.His711Arg (NM_001178129.2); c.2312A>G (NM_012431.2); short protein forms H711R, H771R.
Identifiers: ClinVar variation 3673784 (VCV003673784.4).